The following is an entry in ClinVar:

NM_052947.4(ALPK2):c.641G>C (p.Gly214Ala)

Gene: ALPK2 (alpha kinase 2; minus strand). Cytogenetic location: 18q21.31.
Variant type: single nucleotide variant.
Coding change: c.641G>C on transcript NM_052947.4 (MANE Select); coding-DNA position 641, G replaced by C.
Protein change: p.Gly214Ala; replaces glycine 214 with alanine.
Molecular consequence: missense variant.
Genome position (GRCh38, 1-based): chr18:58,580,135, C>G on the plus strand (G>C on the coding strand, the complement: ALPK2 is on the minus strand). VCF-style: chr18-58580135-C-G. GRCh37 (hg19) VCF-style: chr18-56247367-C-G.
Other names: short protein forms G214A.
Identifiers: ClinVar variation 2449275 (VCV002449275.2), dbSNP rs772408581, ClinGen allele CA8977411.
Genomic context (GRCh38, chr18:58,580,135, plus strand): 5'-GTCTTGTGGCAACATCTGTCTTGTTTTTCATAAATATGACTTGAATTAAGAAAAAGCAAC[C>G]CATTTGCAATTTCTTCTGTGTTACTTGGATCATAAGCCTCTCCAGTGTGCCTTGTTCCTT-3'
Protein context (NP_443179.3, residues 204-224): DPSNTEEIAN[Gly214Ala]LLFLNSSHIY

ClinVar aggregate classification (germline): Uncertain significance (1 of 4 stars; one submission).

Allele frequency attached by ClinVar (database versions not stated): ExAC 0.00001.
gnomAD v4.1: 1 of 1,614,188 alleles (0.000062%); highest among the groups gnomAD compares: East Asian, 0.0022%; no homozygotes.

Submission:

Ambry Genetics
Classification: Uncertain significance. Last evaluated: 2023-02-05. Review status: criteria provided, single submitter. Criteria: Ambry Variant Classification Scheme 2023. Collection method: clinical testing. Allele origin: germline.
Comment: The p.G214A variant (also known as c.641G>C), located in coding exon 3 of the ALPK2 gene, results from a G to C substitution at nucleotide position 641. The glycine at codon 214 is replaced by alanine, an amino acid with similar properties. This amino acid position is conserved. In addition, this alteration is predicted to be tolerated by in silico analysis. Since supporting evidence is limited at this time, the clinical significance of this alteration remains unclear.